The following is an entry in ClinVar:

NC_000009.11:g.(9183364_9397448)_(9397483_9574731)del

Gene: PTPRD (protein tyrosine phosphatase receptor type D; minus strand). Cytogenetic location: 9p23.
Variant type: Deletion.
Identifiers: ClinVar variation 4887349 (VCV004887349.1).

ClinVar aggregate classification (germline): Uncertain significance (1 of 4 stars; one submission).

Submission:

Women's Health and Genetics/Laboratory Corporation of America, LabCorp
Classification: Uncertain significance. Last evaluated: 2026-06-02. Review status: criteria provided, single submitter. Criteria: LabCorp Variant Classification Summary - May 2015. Collection method: clinical testing. Allele origin: germline.
Comment: Variant summary: PTPRD c.(-237+1_-236-1)_(-203+1_-202-1)del is located in the untranslated mRNA region upstream of the initiation codon, hence the impact on protein function cannot be predicted. The variant was absent in 21694 control chromosomes. The available data on variant occurrences in the general population are insufficient to allow any conclusion about variant significance. To our knowledge, no occurrence of c.(-237+1_-236-1)_(-203+1_-202-1)del in individuals affected with PTPRD-related conditions and no experimental evidence demonstrating its impact on protein function have been reported. No submitters have cited clinical significance assessments for this variant in ClinVar. Based on the evidence outlined above, the variant was classified as uncertain significance.